The following is an entry in ClinVar:

NM_000326.5(RLBP1):c.931C>T (p.Gln311Ter)

Gene: RLBP1 (retinaldehyde binding protein 1; minus strand). Cytogenetic location: 15q26.1.
Variant type: single nucleotide variant.
Coding change: c.931C>T on transcript NM_000326.5 (MANE Select); coding-DNA position 931, C replaced by T.
Protein change: p.Gln311Ter; replaces glutamine 311 with a stop codon.
Molecular consequence: nonsense.
Genome position (GRCh38, 1-based): chr15:89,210,308, G>A on the plus strand (C>T on the coding strand, the complement: RLBP1 is on the minus strand). VCF-style: chr15-89210308-G-A. GRCh37 (hg19) VCF-style: chr15-89753539-G-A.
Other names: short protein forms Q311*.
Identifiers: ClinVar variation 2110403 (VCV002110403.1), dbSNP rs2505854667, ClinGen allele CA393728387.

ClinVar aggregate classification (germline): Uncertain significance (1 of 4 stars; one submission).

Submission:

Labcorp Genetics (formerly Invitae), Labcorp
Classification: Uncertain significance. Last evaluated: 2022-08-23. Review status: criteria provided, single submitter. Criteria: Invitae Variant Classification Sherloc (09022015). Collection method: clinical testing. Allele origin: germline.
Comment: This sequence change creates a premature translational stop signal (p.Gln311*) in the RLBP1 gene. While this is not anticipated to result in nonsense mediated decay, it is expected to disrupt the last 7 amino acid(s) of the RLBP1 protein. This variant is not present in population databases (gnomAD no frequency). This variant has not been reported in the literature in individuals affected with RLBP1-related conditions. Experimental studies and prediction algorithms are not available or were not evaluated, and the functional significance of this variant is currently unknown. In summary, the available evidence is currently insufficient to determine the role of this variant in disease. Therefore, it has been classified as a Variant of Uncertain Significance.